The following is an entry in ClinVar:

ClinVar aggregate classification (germline): Uncertain significance (1 of 4 stars; one submission).

Submission:

Labcorp Genetics (formerly Invitae), Labcorp
Classification: Uncertain significance. Last evaluated: 2024-02-20. Review status: criteria provided, single submitter. Criteria: Invitae Variant Classification Sherloc (09022015). Collection method: clinical testing. Allele origin: germline.
Comment: This sequence change replaces glycine, which is neutral and non-polar, with alanine, which is neutral and non-polar, at codon 697 of the ANKZF1 protein (p.Gly697Ala). This variant is not present in population databases (gnomAD no frequency). This variant has not been reported in the literature in individuals affected with ANKZF1-related conditions. ClinVar contains an entry for this variant (Variation ID: 1476278). An algorithm developed to predict the effect of missense changes on protein structure and function (PolyPhen-2) suggests that this variant is likely to be tolerated. In summary, the available evidence is currently insufficient to determine the role of this variant in disease. Therefore, it has been classified as a Variant of Uncertain Significance.

NM_018089.3(ANKZF1):c.2090G>C (p.Gly697Ala)

Gene: ANKZF1 (ankyrin repeat and zinc finger peptidyl tRNA hydrolase 1; plus strand). Cytogenetic location: 2q35.
Variant type: single nucleotide variant.
Coding change: c.2090G>C on transcript NM_018089.3 (MANE Select); coding-DNA position 2090, G replaced by C.
Protein change: p.Gly697Ala; replaces glycine 697 with alanine.
Molecular consequence: missense variant.
Genome position (GRCh38, 1-based): chr2:219,236,354, G>C. VCF-style: chr2-219236354-G-C. GRCh37 (hg19) VCF-style: chr2-220101076-G-C.
Other names: c.2090G>C, p.Gly697Ala (NM_001042410.2); c.1460G>C, p.Gly487Ala (NM_001282792.2); short protein forms G487A, G697A.
Identifiers: ClinVar variation 1476278 (VCV001476278.8), dbSNP rs1951234932, ClinGen allele CA350689356.